The following is an entry in ClinVar:

ClinVar aggregate classification (germline): Uncertain significance. Review status: criteria provided, single submitter (1 of 4 stars). 2 submissions from 2 submitters: Uncertain significance (1). 1 of the submissions does not count toward it. Last evaluated 2022-03-18.

Conditions:
Pyruvate kinase deficiency of red cells (CNSHA2). Also called: PK DEFICIENCY; PYRUVATE KINASE DEFICIENCY OF ERYTHROCYTE; Pyruvate kinase deficiency, Amish type. Identifiers: Orphanet 766, MedGen C0340968, MONDO:0009950, OMIM 266200.

Submissions (2):

Labcorp Genetics (formerly Invitae), Labcorp
Classification: Uncertain significance. Last evaluated: 2022-03-18. Review status: criteria provided, single submitter. Criteria: Invitae Variant Classification Sherloc (09022015). Collection method: clinical testing. Allele origin: germline.
Comment: In summary, the available evidence is currently insufficient to determine the role of this variant in disease. Therefore, it has been classified as a Variant of Uncertain Significance. This variant disrupts the p.Arg163 amino acid residue in PKLR. Other variant(s) that disrupt this residue have been observed in individuals with PKLR-related conditions (PMID: 2018831, 19085939), which suggests that this may be a clinically significant amino acid residue. Experimental studies have shown that this missense change affects PKLR function (PMID: 2018831). Algorithms developed to predict the effect of missense changes on protein structure and function are either unavailable or do not agree on the potential impact of this missense change (SIFT: "Deleterious"; PolyPhen-2: "Probably Damaging"; Align-GVGD: "Class C0"). ClinVar contains an entry for this variant (Variation ID: 1506). This variant is also known as PK Linz variant, a C to T base exchange at position 394 . This missense change has been observed in individual(s) with pyruvate kinase deficiency (PMID: 2018831; Invitae). This variant is not present in population databases (gnomAD no frequency). This sequence change replaces arginine, which is basic and polar, with cysteine, which is neutral and slightly polar, at codon 163 of the PKLR protein (p.Arg163Cys).

OMIM
Classification: Pathogenic for ANEMIA, CONGENITAL, NONSPHEROCYTIC HEMOLYTIC, 2. Last evaluated: 1991-05-01. Review status: no assertion criteria provided. Collection method: literature only. Allele origin: germline. Not counted in ClinVar's aggregate classification.

Literature cited by the submitters: PubMed 2018831 (cited by Labcorp Genetics (formerly Invitae), Labcorp and OMIM); PubMed 19085939 (cited by Labcorp Genetics (formerly Invitae), Labcorp).

NM_000298.6(PKLR):c.487C>T (p.Arg163Cys)

Gene: PKLR (pyruvate kinase L/R; minus strand). Cytogenetic location: 1q22.
Variant type: single nucleotide variant.
Coding change: c.487C>T on transcript NM_000298.6 (MANE Select); coding-DNA position 487, C replaced by T.
Protein change: p.Arg163Cys; replaces arginine 163 with cysteine.
Molecular consequence: missense variant.
Genome position (GRCh38, 1-based): chr1:155,295,457, G>A on the plus strand (C>T on the coding strand, the complement: PKLR is on the minus strand). VCF-style: chr1-155295457-G-A. GRCh37 (hg19) VCF-style: chr1-155265248-G-A.
Other names: c.487C>T, p.Arg163Cys (LRG_1136t1); c.394C>T, p.Arg132Cys (NM_181871.4); short protein forms R132C, R163C.
Identifiers: ClinVar variation 1506 (VCV000001506.6), dbSNP rs118204083, ClinGen allele CA215073.
Genomic context (GRCh38, chr1:155,295,457, plus strand): 5'-TTCCGGCCCTGGCCCAGCGAGTCCCAGCCCCACTGCTCACCCCCTGCAGGATCCCAGTGC[G>A]GATCTCCGGTCCCTTGGTGTCCAGGGCGATGGCCACGGGCCGGTAGCTGAGTGGGGAACC-3'
Protein context (NP_000289.1, residues 153-173): IALDTKGPEI[Arg163Cys]TGILQGGPES